The following is an entry in ClinVar:

ClinVar aggregate classification (germline): Uncertain significance (1 of 4 stars; one submission).

Submission:

GeneDx
Classification: Uncertain significance. Last evaluated: 2024-07-10. Review status: criteria provided, single submitter. Criteria: GeneDx Variant Classification Process June 2021. Collection method: clinical testing. Allele origin: germline. Affected: yes.
Comment: Not observed at significant frequency in large population cohorts (gnomAD); In silico analysis indicates that this missense variant does not alter protein structure/function; Has not been previously published as pathogenic or benign to our knowledge

NM_032436.4(CHAMP1):c.1249C>G (p.Pro417Ala)

Gene: CHAMP1 (chromosome alignment maintaining phosphoprotein 1; plus strand). Cytogenetic location: 13q34.
Variant type: single nucleotide variant.
Coding change: c.1249C>G on transcript NM_032436.4 (MANE Select); coding-DNA position 1249, C replaced by G.
Protein change: p.Pro417Ala; replaces proline 417 with alanine.
Molecular consequence: missense variant.
Genome position (GRCh38, 1-based): chr13:114,325,091, C>G. VCF-style: chr13-114325091-C-G. GRCh37 (hg19) VCF-style: chr13-115090566-C-G.
Other names: c.1249C>G, p.Pro417Ala (NM_001164144.3, NM_001164145.3); short protein forms P417A.
Identifiers: ClinVar variation 3572765 (VCV003572765.1).